The following is an entry in ClinVar:

ClinVar aggregate classification (germline): Uncertain significance. Review status: criteria provided, multiple submitters, no conflicts (2 of 4 stars). 3 submissions from 3 submitters: Uncertain significance (3). Last evaluated 2025-06-11.

Conditions:
SEMA3E-related disorder. Also called: SEMA3E-related condition.
CHARGE syndrome (CHARGE). Also called: Hittner Hirsch Kreh syndrome; Coloboma, heart anomaly, choanal atresia, retardation, genital and ear anomalies; CHARGE association; Hall-Hittner syndrome; CHARGE ASSOCIATION--COLOBOMA, HEART ANOMALY, CHOANAL ATRESIA, RETARDATION, GENITAL AND EAR ANOMALIES. Identifiers: Orphanet 138, MedGen C0265354, MONDO:0008965.

Submissions (3):

PreventionGenetics, part of Exact Sciences
Classification: Uncertain significance for SEMA3E-related condition. Last evaluated: 2025-06-11. Review status: criteria provided, single submitter. Criteria: ACMG Guidelines, 2015. Collection method: clinical testing. Allele origin: germline.
Comment: The SEMA3E c.1739A>T variant is predicted to result in the amino acid substitution p.Asp580Val. To our knowledge, this variant has not been reported in the literature or in a large population database (gnomAD), indicating this variant is rare. At this time, the clinical significance of this variant is uncertain due to the absence of conclusive functional and genetic evidence.

Ambry Genetics
Classification: Uncertain significance. Last evaluated: 2022-12-01. Review status: criteria provided, single submitter. Criteria: Ambry Variant Classification Scheme 2023. Collection method: clinical testing. Allele origin: germline.

Labcorp Genetics (formerly Invitae), Labcorp
Classification: Uncertain significance for CHARGE syndrome. Last evaluated: 2020-08-21. Review status: criteria provided, single submitter. Criteria: Invitae Variant Classification Sherloc (09022015). Collection method: clinical testing. Allele origin: germline.
Comment: In summary, the available evidence is currently insufficient to determine the role of this variant in disease. Therefore, it has been classified as a Variant of Uncertain Significance. Algorithms developed to predict the effect of missense changes on protein structure and function are either unavailable or do not agree on the potential impact of this missense change (SIFT: "Deleterious"; PolyPhen-2: "Benign"; Align-GVGD: "Class C0"). This variant has not been reported in the literature in individuals with SEMA3E-related conditions. This variant is not present in population databases (ExAC no frequency). This sequence change replaces aspartic acid with valine at codon 580 of the SEMA3E protein (p.Asp580Val). The aspartic acid residue is moderately conserved and there is a large physicochemical difference between aspartic acid and valine.

NM_012431.3(SEMA3E):c.1739A>T (p.Asp580Val)

Gene: SEMA3E (semaphorin 3E; minus strand). Cytogenetic location: 7q21.11.
Variant type: single nucleotide variant.
Coding change: c.1739A>T on transcript NM_012431.3 (MANE Select); coding-DNA position 1739, A replaced by T.
Protein change: p.Asp580Val; replaces aspartic acid 580 with valine.
Molecular consequence: missense variant.
Genome position (GRCh38, 1-based): chr7:83,385,430, T>A on the plus strand (A>T on the coding strand, the complement: SEMA3E is on the minus strand). VCF-style: chr7-83385430-T-A. GRCh37 (hg19) VCF-style: chr7-83014746-T-A.
Other names: c.1559A>T, p.Asp520Val (NM_001178129.2); c.1739A>T (NM_012431.2); short protein forms D520V, D580V.
Identifiers: ClinVar variation 1026599 (VCV001026599.10), dbSNP rs754158945, ClinGen allele CA367921954.